The following is an entry in ClinVar:

NM_001267550.2(TTN):c.47761-2A>T

Genes: TTN (titin; minus strand), TTN-AS1 (TTN antisense RNA 1; plus strand). Cytogenetic location: 2q31.2.
Variant type: single nucleotide variant.
Coding change: c.47761-2A>T on transcript NM_001267550.2 (MANE Select); the canonical splice acceptor site of the intron before coding-DNA position 47761, A replaced by T.
Molecular consequence: splice acceptor variant.
Genome position (GRCh38, 1-based): chr2:178,617,236, T>A on the plus strand (A>T on the coding strand, the complement: TTN is on the minus strand). VCF-style: chr2-178617236-T-A. GRCh37 (hg19) VCF-style: chr2-179481963-T-A.
Other names: c.20566-2A>T (NM_003319.4); c.21142-2A>T (NM_133437.4); c.20941-2A>T (NM_133432.3); c.40057-2A>T (NM_133378.4); c.42838-2A>T (NM_001256850.1).
Identifiers: ClinVar variation 2950798 (VCV002950798.3), dbSNP rs2470840049, ClinGen allele CA349613457.
Genomic context (GRCh38, chr2:178,617,236, plus strand): 5'-GCTTTATTTTCTGCAGATACTCTATATAAATATTTATTTCCTTTTTCCAATCCGGTAACC[T>A]ACGATTATGAATTAATATTTGTAAAAAACACATACAGTTATGTCCATGATCCACATTGAA-3'

ClinVar aggregate classification (germline): Likely pathogenic (1 of 4 stars; one submission).

Conditions:
Dilated cardiomyopathy 1G (CMD1G). Identifiers: Orphanet 154, MedGen C1858763, MONDO:0011400, OMIM 604145.
Autosomal recessive limb-girdle muscular dystrophy type 2J (LGMDR10). Also called: Limb-girdle muscular dystrophy, type 2J; MUSCULAR DYSTROPHY, LIMB-GIRDLE, AUTOSOMAL RECESSIVE 10. Identifiers: Orphanet 140922, MedGen C1837342, MONDO:0012127, OMIM 608807.

Submission:

Labcorp Genetics (formerly Invitae), Labcorp
Classification: Likely pathogenic for Dilated cardiomyopathy 1G; Autosomal recessive limb-girdle muscular dystrophy type 2J. Last evaluated: 2023-08-07. Review status: criteria provided, single submitter. Criteria: Invitae Variant Classification Sherloc (09022015). Collection method: clinical testing. Allele origin: germline.
Comment: This variant is located in the A band of TTN (PMID: 25589632). Truncating variants in this region are significantly overrepresented in patients affected with dilated cardiomyopathy (PMID: 25589632). Truncating variants in this region have also been reported in individuals affected with autosomal recessive centronuclear myopathy (PMID: 23975875). In summary, the currently available evidence indicates that the variant is pathogenic, but additional data are needed to prove that conclusively. Therefore, this variant has been classified as Likely Pathogenic. Algorithms developed to predict the effect of sequence changes on RNA splicing suggest that this variant may disrupt the consensus splice site. This variant has not been reported in the literature in individuals affected with TTN-related conditions. This variant is not present in population databases (gnomAD no frequency). This sequence change affects an acceptor splice site in intron 254 of the TTN gene. It is expected to disrupt RNA splicing and likely results in a truncated or disrupted TTN protein.

Literature cited by the submitters: PubMed 25589632; PubMed 23975875.